The following is an entry in ClinVar:

NM_002184.4(IL6ST):c.2455T>C (p.Cys819Arg)

Gene: IL6ST (interleukin 6 cytokine family signal transducer; minus strand). Cytogenetic location: 5q11.2.
Variant type: single nucleotide variant.
Coding change: c.2455T>C on transcript NM_002184.4 (MANE Select); coding-DNA position 2455, T replaced by C.
Protein change: p.Cys819Arg; replaces cysteine 819 with arginine.
Molecular consequence: missense variant. On other transcripts: 3 prime UTR variant (1), non-coding transcript variant (2).
Genome position (GRCh38, 1-based): chr5:55,941,384, A>G on the plus strand (T>C on the coding strand, the complement: IL6ST is on the minus strand). VCF-style: chr5-55941384-A-G. GRCh37 (hg19) VCF-style: chr5-55237212-A-G.
Other names: c.2245T>C, p.Cys749Arg (NM_001364276.2); c.1588T>C, p.Cys530Arg (NM_001364277.2); c.1552T>C, p.Cys518Arg (NM_001364278.2); c.1459T>C, p.Cys487Arg (NM_001364279.2); c.2272T>C, p.Cys758Arg (NM_001190981.2); c.2353T>C, p.Cys785Arg (NM_001364275.2); c.*1382T>C (NM_175767.3); short protein forms C487R, C749R, C758R, C819R, C530R, C785R, C518R.
Identifiers: ClinVar variation 2784389 (VCV002784389.3), dbSNP rs2533427734, ClinGen allele CA359778214.

ClinVar aggregate classification (germline): Uncertain significance (1 of 4 stars; one submission).

Allele frequency attached by ClinVar (database versions not stated): gnomAD exomes 0.00001.

Submission:

Labcorp Genetics (formerly Invitae), Labcorp
Classification: Uncertain significance. Last evaluated: 2023-10-31. Review status: criteria provided, single submitter. Criteria: Invitae Variant Classification Sherloc (09022015). Collection method: clinical testing. Allele origin: germline.
Comment: This sequence change replaces cysteine, which is neutral and slightly polar, with arginine, which is basic and polar, at codon 819 of the IL6ST protein (p.Cys819Arg). This variant is not present in population databases (gnomAD no frequency). This variant has not been reported in the literature in individuals affected with IL6ST-related conditions. An algorithm developed to predict the effect of missense changes on protein structure and function (PolyPhen-2) suggests that this variant is likely to be disruptive. In summary, the available evidence is currently insufficient to determine the role of this variant in disease. Therefore, it has been classified as a Variant of Uncertain Significance.